The following is an entry in ClinVar:

NM_015311.3(OBSL1):c.4167T>C (p.Asp1389=)

Gene: OBSL1 (obscurin like cytoskeletal adaptor 1; minus strand). Cytogenetic location: 2q35.
Variant type: single nucleotide variant.
Coding change: c.4167T>C on transcript NM_015311.3 (MANE Select); coding-DNA position 4167, T replaced by C.
Protein change: p.Asp1389=; no amino-acid change (aspartic acid 1389 retained).
Molecular consequence: synonymous variant.
Genome position (GRCh38, 1-based): chr2:219,556,623, A>G on the plus strand (T>C on the coding strand, the complement: OBSL1 is on the minus strand). VCF-style: chr2-219556623-A-G. GRCh37 (hg19) VCF-style: chr2-220421345-A-G.
Other names: c.4167T>C, p.Asp1389= (NM_001173431.2).
Identifiers: ClinVar variation 3043951 (VCV003043951.2), dbSNP rs751285953, ClinGen allele CA2130643.

ClinVar aggregate classification (germline): Likely benign (0 of 4 stars; one submission).

Conditions:
OBSL1-related disorder. Also called: OBSL1-related condition.

Allele frequency attached by ClinVar (database versions not stated): ExAC 0.00001; TOPMed 0.00001; gnomAD 0.00002; gnomAD exomes 0.00002.
gnomAD v4.1: 33 of 1,613,770 alleles (0.002%); highest among the groups gnomAD compares: African/African-American, 0.0027%; no homozygotes.

Submission:

PreventionGenetics, part of Exact Sciences
Classification: Likely benign for OBSL1-related condition. Last evaluated: 2019-05-28. Review status: no assertion criteria provided. Collection method: clinical testing. Allele origin: germline.
Comment: This variant is classified as likely benign based on ACMG/AMP sequence variant interpretation guidelines (Richards et al. 2015 PMID: 25741868, with internal and published modifications).